The following is an entry in ClinVar:

ClinVar aggregate classification (germline): Uncertain significance (1 of 4 stars; one submission).

Submission:

GeneDx
Classification: Uncertain significance. Last evaluated: 2019-10-18. Review status: criteria provided, single submitter. Criteria: GeneDx Variant Classification Process June 2021. Collection method: clinical testing. Allele origin: germline. Affected: yes.
Comment: Not observed in large population cohorts (Lek et al., 2016); Frameshift variant predicted to result in protein truncation or nonsense mediated decay in a gene for which loss-of-function is not a known mechanism of disease; Has not been previously published as pathogenic or benign to our knowledge

NM_001148.6(ANK2):c.155del (p.Lys52fs)

Gene: ANK2 (ankyrin 2; plus strand). Cytogenetic location: 4q25.
Variant type: Deletion.
Coding change: c.155del on transcript NM_001148.6 (MANE Select); coding-DNA position 155, one base deleted (A; older notation c.155delA).
Protein change: p.Lys52fs; shifts the reading frame from lysine 52.
Molecular consequence: frameshift variant.
Genome position (GRCh38, 1-based): chr4:113,174,486, A deleted; the last of 2 consecutive A bases (chr4:113,174,485-113,174,486); deleting either gives the same sequence. VCF-style (leftmost placement, unchanged base first): chr4-113174484-GA-G. GRCh37 (hg19) VCF-style: chr4-114095640-GA-G.
Other names: c.92del, p.Lys31fs (NM_001354260.2, NM_001354262.2, NM_001354264.2 and 33 more transcripts); c.137del, p.Lys46fs (NM_001354261.2, NM_001386147.1, NM_001386160.1); c.155del, p.Lys52fs (NM_001354265.2, NM_001354268.2, NM_001354273.2 and 9 more transcripts); c.143del, p.Lys48fs (NM_001354269.3, NM_001386148.2, NM_001386186.2 and 1 more transcripts); c.200del, p.Lys67fs (NM_001354237.2, NM_001354240.2, NM_001354241.2 and 5 more transcripts); c.206del, p.Lys69fs (NM_001386174.1, NM_001386175.1); short protein forms K31fs, K46fs, K48fs, K52fs, K67fs, K69fs.
Identifiers: ClinVar variation 1315877 (VCV001315877.2), dbSNP rs2153225149, ClinGen allele CA2573052287.